The following is an entry in ClinVar:

ClinVar aggregate classification (germline): Uncertain significance (1 of 4 stars; one submission).

Conditions:
Cardiovascular phenotype. Identifiers: MedGen CN230736.

Allele frequency attached by ClinVar (database versions not stated): TOPMed below 0.00001; gnomAD 0.00001.
gnomAD v4.1: 18 of 1,613,936 alleles (0.0011%); highest among the groups gnomAD compares: Non-Finnish European, 0.0015%; no homozygotes.

Submission:

Ambry Genetics
Classification: Uncertain significance for Cardiovascular phenotype. Last evaluated: 2023-06-06. Review status: criteria provided, single submitter. Criteria: Ambry Variant Classification Scheme 2023. Collection method: clinical testing. Allele origin: germline.
Comment: The c.449+1G>T intronic variant results from a G to T substitution one nucleotide after coding exon 5 of the TXNRD2 gene. This nucleotide position is highly conserved in available vertebrate species. In silico splice site analysis predicts that this alteration will weaken the native splice donor site. Alterations that disrupt the canonical splice site are expected to cause aberrant splicing, resulting in an abnormal protein or a transcript that is subject to nonsense-mediated mRNA decay. However, loss of function of TXNRD2 has not been established as a mechanism of disease. The evidence for this gene-disease relationship is limited; therefore, the clinical significance of this alteration is unclear.

NM_006440.5(TXNRD2):c.449+1G>T

Gene: TXNRD2 (thioredoxin reductase 2; minus strand). Cytogenetic location: 22q11.21.
Variant type: single nucleotide variant.
Coding change: c.449+1G>T on transcript NM_006440.5 (MANE Select); the canonical splice donor site of the intron after coding-DNA position 449, G replaced by T.
Molecular consequence: splice donor variant.
Genome position (GRCh38, 1-based): chr22:19,918,142, C>A on the plus strand (G>T on the coding strand, the complement: TXNRD2 is on the minus strand). VCF-style: chr22-19918142-C-A. GRCh37 (hg19) VCF-style: chr22-19905665-C-A.
Other names: c.446+1G>T (NM_001352300.2); c.161+1G>T (NM_001352302.2); c.359+1G>T (NM_001352301.2); c.449+1G>T (NM_001282512.3); c.353+1G>T (NM_001352303.2).
Identifiers: ClinVar variation 2560628 (VCV002560628.2), dbSNP rs1209069617, ClinGen allele CA410693447.